The following is an entry in ClinVar:

ClinVar aggregate classification (germline): Conflicting classifications of pathogenicity. Review status: criteria provided, conflicting classifications (1 of 4 stars). 3 submissions from 3 submitters: Uncertain significance (1); Likely benign (1). 1 of the submissions does not count toward it. Last evaluated 2022-07-14.

Conditions:
Menkes kinky-hair syndrome (MNK). Also called: Classic Menkes Disease; Copper transport disease; Menkes Disease. Identifiers: Orphanet 565, MedGen C0022716, MONDO:0010651, OMIM 309400.
Cutis laxa, X-linked (OHS). Also called: EDS IX; Occipital horn syndrome. Identifiers: Orphanet 198, MedGen C0268353, MONDO:0010572, OMIM 304150.
X-linked distal spinal muscular atrophy type 3. Also called: SPINAL MUSCULAR ATROPHY, DISTAL, X-LINKED RECESSIVE; ATP7A-Related Distal Motor Neuropathy; NEURONOPATHY, DISTAL HEREDITARY MOTOR, X-LINKED; NEUROPATHY, DISTAL HEREDITARY MOTOR, X-LINKED. Identifiers: Orphanet 139557, MedGen C1845359, MONDO:0010338, OMIM 300489.

Allele frequency attached by ClinVar (database versions not stated): TOPMed below 0.00001; ExAC 0.00001; gnomAD 0.00001; gnomAD exomes 0.00001; ESP Exome Variant Server 0.00009.
gnomAD v4.1: 1 of 1,209,692 alleles (0.000083%); highest among the groups gnomAD compares: Non-Finnish European, 0.00011%; no homozygotes.

Submissions (3):

Labcorp Genetics (formerly Invitae), Labcorp
Classification: Likely benign for X-linked distal spinal muscular atrophy type 3; Cutis laxa, X-linked; Menkes kinky-hair syndrome. Last evaluated: 2022-07-14. Review status: criteria provided, single submitter. Criteria: Invitae Variant Classification Sherloc (09022015). Collection method: clinical testing. Allele origin: germline.

GeneDx
Classification: Uncertain significance. Last evaluated: 2017-11-08. Review status: criteria provided, single submitter. Criteria: GeneDx Variant Classification (06012015). Collection method: clinical testing. Allele origin: germline. Affected: yes.
Comment: The I347T variant in the ATP7A gene has not been reported previously as a pathogenic variant, nor as a benign variant, to our knowledge. The I347T variant is not observed at a significant frequency in large population cohorts (Lek et al., 2016). The I347T variant is a non-conservative amino acid substitution, which is likely to impact secondary protein structure as these residues differ in polarity, charge, size and/or other properties. In-silico analyses, including protein predictors and evolutionary conservation, support that this variant does not alter protein structure/function. We interpret I347T as a variant of uncertain significance.

Natera, Inc.
Classification: Uncertain significance for Menkes kinky hair syndrome. Last evaluated: 2020-10-13. Review status: no assertion criteria provided. Collection method: clinical testing. Allele origin: germline. Not counted in ClinVar's aggregate classification.

NM_000052.7(ATP7A):c.1040T>C (p.Ile347Thr)

Gene: ATP7A (ATPase copper transporting alpha; plus strand). Cytogenetic location: Xq21.1.
Variant type: single nucleotide variant.
Coding change: c.1040T>C on transcript NM_000052.7 (MANE Select); coding-DNA position 1040, T replaced by C.
Protein change: p.Ile347Thr; replaces isoleucine 347 with threonine.
Molecular consequence: missense variant.
Genome position (GRCh38, 1-based): chrX:77,989,662, T>C. VCF-style: chrX-77989662-T-C. GRCh37 (hg19) VCF-style: chrX-77245158-T-C.
Other names: c.1040T>C, p.Ile347Thr (NM_001282224.2); short protein forms I347T.
Identifiers: ClinVar variation 453061 (VCV000453061.8), dbSNP rs368982547, ClinGen allele CA10458987.
Genomic context (GRCh38, chrX:77,989,662, plus strand): 5'-CTCCAGAATCCCTGAGAAAAGCAATAGAGGCTGTATCACCGGGGCTATATAGAGTTAGTA[T>C]CACAAGTGAAGTTGAGAGTACCTCAAACTCTCCCTCCAGCTCATCTCTTCAGAAGATTCC-3'
Protein context (NP_000043.4, residues 337-357): AVSPGLYRVS[Ile347Thr]TSEVESTSNS